The following is an entry in ClinVar:

ClinVar aggregate classification (germline): Uncertain significance (1 of 4 stars; one submission).

Conditions:
Familial infantile myasthenia (CMS6). Also called: MYASTHENIC SYNDROME, CONGENITAL, 6, PRESYNAPTIC; Congenital myasthenic syndrome type 6; MYASTHENIC SYNDROME, PRESYNAPTIC, CONGENITAL, ASSOCIATED WITH EPISODIC APNEA. Identifiers: Orphanet 590, MedGen C0393929, MONDO:0009689, OMIM 254210.

Allele frequency attached by ClinVar (database versions not stated): TOPMed 0.00002; gnomAD 0.00003; ExAC 0.00004; ESP Exome Variant Server 0.00008; 1000 Genomes Project 30x 0.00031; 1000 Genomes Project 0.00040.
gnomAD v4.1: 19 of 1,613,802 alleles (0.0012%); highest among the groups gnomAD compares: Middle Eastern, 0.017%; no homozygotes.

Submission:

Labcorp Genetics (formerly Invitae), Labcorp
Classification: Uncertain significance for Familial infantile myasthenia. Last evaluated: 2022-04-16. Review status: criteria provided, single submitter. Criteria: Invitae Variant Classification Sherloc (09022015). Collection method: clinical testing. Allele origin: germline.
Comment: This sequence change replaces arginine, which is basic and polar, with glutamine, which is neutral and polar, at codon 432 of the CHAT protein (p.Arg432Gln). This variant is present in population databases (rs377494035, gnomAD 0.007%). This variant has not been reported in the literature in individuals affected with CHAT-related conditions. Advanced modeling of protein sequence and biophysical properties (such as structural, functional, and spatial information, amino acid conservation, physicochemical variation, residue mobility, and thermodynamic stability) performed at Invitae indicates that this missense variant is not expected to disrupt CHAT protein function. In summary, the available evidence is currently insufficient to determine the role of this variant in disease. Therefore, it has been classified as a Variant of Uncertain Significance.

NM_020549.5(CHAT):c.1295G>A (p.Arg432Gln)

Gene: CHAT (choline O-acetyltransferase; plus strand). Cytogenetic location: 10q11.23.
Variant type: single nucleotide variant.
Coding change: c.1295G>A on transcript NM_020549.5 (MANE Select); coding-DNA position 1295, G replaced by A.
Protein change: p.Arg432Gln; replaces arginine 432 with glutamine.
Molecular consequence: missense variant.
Genome position (GRCh38, 1-based): chr10:49,648,520, G>A. VCF-style: chr10-49648520-G-A. GRCh37 (hg19) VCF-style: chr10-50856566-G-A.
Other names: c.941G>A, p.Arg314Gln (NM_001142929.2, NM_001142934.2, NM_020984.4 and 2 more transcripts); c.1049G>A, p.Arg350Gln (NM_001142933.2); short protein forms R432Q, R314Q, R350Q.
Identifiers: ClinVar variation 1937192 (VCV001937192.2), dbSNP rs377494035, ClinGen allele CA5497445.